The following is an entry in ClinVar:

NM_138420.4(AHNAK2):c.6999T>A (p.Leu2333=)

Gene: AHNAK2 (AHNAK nucleoprotein 2; minus strand). Cytogenetic location: 14q32.33.
Variant type: single nucleotide variant.
Coding change: c.6999T>A on transcript NM_138420.4 (MANE Select); coding-DNA position 6999, T replaced by A.
Protein change: p.Leu2333=; no amino-acid change (leucine 2333 retained).
Molecular consequence: synonymous variant.
Genome position (GRCh38, 1-based): chr14:104,948,452, A>T on the plus strand (T>A on the coding strand, the complement: AHNAK2 is on the minus strand). VCF-style: chr14-104948452-A-T. GRCh37 (hg19) VCF-style: chr14-105414789-A-T.
Other names: NC_000014.8:g.105414789A>T; c.6699T>A, p.Leu2233= (NM_001350929.2).
Identifiers: ClinVar variation 2644731 (VCV002644731.25), dbSNP rs150245467, ClinGen allele CA7380820.

ClinVar aggregate classification (germline): Benign (1 of 4 stars; one submission).

Allele frequency attached by ClinVar (database versions not stated): 1000 Genomes Project 0.00619; ESP Exome Variant Server 0.00176; ExAC 0.00332; gnomAD 0.00337; 1000 Genomes Project 30x 0.00593.
gnomAD v4.1: 3,770 of 1,607,306 alleles (0.23%); highest among the groups gnomAD compares: African/African-American, 0.55%; 16 homozygotes.

Submissions (2):

CeGaT Center for Human Genetics Tuebingen
Classification: Benign. Last evaluated: 2022-10-01. Review status: criteria provided, single submitter. Criteria: CeGaT Center For Human Genetics Tuebingen Variant Classification Criteria Version 2. Collection method: clinical testing. Allele origin: germline. Affected: yes. Observed: 2 variant alleles.
Comment: AHNAK2: BS1, BS2

Dr. Peter K. Rogan Lab, Western University
No classification provided (evidence only). Condition: Malignant tumor of urinary bladder. Review status: no classification provided. Collection method: in vitro. Allele origin: not applicable. Functional consequence: retained intron. Not counted in ClinVar's aggregate classification.